The following is an entry in ClinVar:

NM_001271.4(CHD2):c.5104dup (p.Gln1702fs)

Gene: CHD2 (chromodomain helicase DNA binding protein 2; plus strand). Cytogenetic location: 15q26.1.
Variant type: Duplication.
Coding change: c.5104dup on transcript NM_001271.4 (MANE Select); coding-DNA position 5104, one base duplicated (C; older notation c.5104dupC).
Protein change: p.Gln1702fs; shifts the reading frame from glutamine 1702.
Molecular consequence: frameshift variant.
Genome position (GRCh38, 1-based): chr15:93,020,209, C duplicated; the last of 2 consecutive C bases (chr15:93,020,208-93,020,209); duplicating either gives the same sequence. VCF-style (leftmost placement, unchanged base first): chr15-93020207-A-AC. GRCh37 (hg19) VCF-style: chr15-93563437-A-AC.
Other names: short protein forms Q1702fs.
Identifiers: ClinVar variation 4717394 (VCV004717394.1).

ClinVar aggregate classification (germline): Uncertain significance (1 of 4 stars; one submission).

Conditions:
Developmental and epileptic encephalopathy 94 (DEE94). Also called: Epileptic encephalopathy, childhood-onset; CHD2-Related Neurodevelopmental Disorders. Identifiers: Orphanet 1942, Orphanet 2382, MedGen C3809278, MONDO:0014150, OMIM 615369.

Submission:

Labcorp Genetics (formerly Invitae), Labcorp
Classification: Uncertain significance for Developmental and epileptic encephalopathy 94. Last evaluated: 2025-04-13. Review status: criteria provided, single submitter. Criteria: Invitae Variant Classification Sherloc (09022015). Collection method: clinical testing. Allele origin: germline.
Comment: This sequence change creates a premature translational stop signal (p.Gln1702Profs*5) in the CHD2 gene. While this is not anticipated to result in nonsense mediated decay, it is expected to disrupt the last 127 amino acid(s) of the CHD2 protein. This variant is not present in population databases (gnomAD no frequency). This variant has not been reported in the literature in individuals affected with CHD2-related conditions. This variant disrupts a region of the CHD2 protein in which other variant(s) (p.His1781Asp) have been observed in individuals with CHD2-related conditions (internal data). This suggests that this is a clinically significant region of the protein, and that variants that disrupt it are likely to be disease-causing. In summary, the available evidence is currently insufficient to determine the role of this variant in disease. Therefore, it has been classified as a Variant of Uncertain Significance.